The following is an entry in ClinVar:

ClinVar aggregate classification (germline): Pathogenic/Likely pathogenic. Review status: criteria provided, multiple submitters, no conflicts (2 of 4 stars). 4 submissions from 4 submitters: Pathogenic (2); Likely pathogenic (2). Last evaluated 2025-06-10.

Conditions:
Polycystic kidney disease 4 (PKD4). Also called: POLYCYSTIC KIDNEY AND HEPATIC DISEASE 1; POLYCYSTIC KIDNEY DISEASE, INFANTILE, TYPE I; PKD3; Autosomal Recessive Polycystic Kidney Disease – PKHD1; POLYCYSTIC KIDNEY DISEASE 4 WITH OR WITHOUT POLYCYSTIC LIVER DISEASE. Identifiers: MedGen C4540575, MONDO:0033004, OMIM 263200.
Autosomal recessive polycystic kidney disease (ARPKD). Also called: AR polycystic kidney disease. Identifiers: Orphanet 731, Orphanet 8378, MedGen C0085548, MeSH D017044, MONDO:0009889.

Allele frequency attached by ClinVar (database versions not stated): gnomAD 0.00001.
gnomAD v4.1: 1 of 1,612,066 alleles (0.000062%); highest among the groups gnomAD compares: African/African-American, 0.0013%; no homozygotes.

Submissions (4):

Natera, Inc.
Classification: Likely pathogenic for Autosomal recessive polycystic kidney disease. Last evaluated: 2025-06-10. Review status: criteria provided, single submitter. Criteria: Natera Variant Classification Schema (03/2026). Collection method: clinical testing. Allele origin: germline.
Comment: The c.7194G>A variant in PKHD1 is a nonsense variant predicted to introduce a stop codon at amino acid 2398. This variant is expected to result in nonsense mediated decay, truncation, or a dysfunctional protein product. This variant is rare in the general population with a frequency below the threshold expected for the associated phenotype(s). Given the available evidence, this variant is classified as Likely Pathogenic.

Labcorp Genetics (formerly Invitae), Labcorp
Classification: Pathogenic for Autosomal recessive polycystic kidney disease. Last evaluated: 2023-02-24. Review status: criteria provided, single submitter. Criteria: Invitae Variant Classification Sherloc (09022015). Collection method: clinical testing. Allele origin: germline.
Comment: For these reasons, this variant has been classified as Pathogenic. ClinVar contains an entry for this variant (Variation ID: 197534). This variant has not been reported in the literature in individuals affected with PKHD1-related conditions. This variant is present in population databases (rs794727680, gnomAD 0.01%). This sequence change creates a premature translational stop signal (p.Trp2398*) in the PKHD1 gene. It is expected to result in an absent or disrupted protein product. Loss-of-function variants in PKHD1 are known to be pathogenic (PMID: 19940839).

Baylor Genetics
Classification: Likely pathogenic for Polycystic kidney disease 4. Last evaluated: 2022-12-30. Review status: criteria provided, single submitter. Criteria: ACMG Guidelines, 2015. Collection method: clinical testing. Allele origin: unknown.

Eurofins Ntd Llc (ga)
Classification: Pathogenic. Last evaluated: 2014-06-11. Review status: criteria provided, single submitter. Criteria: EGL Classification Definitions 2015. Collection method: clinical testing. Allele origin: germline. Observed: 1 variant allele, 1 heterozygote.

Literature cited by the submitters: PubMed 19940839 (cited by Labcorp Genetics (formerly Invitae), Labcorp).

NM_138694.4(PKHD1):c.7194G>A (p.Trp2398Ter)

Gene: PKHD1 (PKHD1 ciliary IPT domain containing fibrocystin/polyductin; minus strand). Cytogenetic location: 6p12.2.
Variant type: single nucleotide variant.
Coding change: c.7194G>A on transcript NM_138694.4 (MANE Select); coding-DNA position 7194, G replaced by A.
Protein change: p.Trp2398Ter; replaces tryptophan 2398 with a stop codon.
Molecular consequence: nonsense.
Genome position (GRCh38, 1-based): chr6:51,885,888, C>T on the plus strand (G>A on the coding strand, the complement: PKHD1 is on the minus strand). VCF-style: chr6-51885888-C-T. GRCh37 (hg19) VCF-style: chr6-51750686-C-T.
Other names: c.7194G>A, p.Trp2398Ter (NM_170724.3); c.7194G>A (NM_138694.3); short protein forms W2398*.
Identifiers: ClinVar variation 197534 (VCV000197534.10), dbSNP rs794727680, ClinGen allele CA275278.